The following is an entry in ClinVar:

ClinVar aggregate classification (germline): Pathogenic. Review status: criteria provided, multiple submitters, no conflicts (2 of 4 stars). 44 submissions from 44 submitters: Pathogenic (36). 8 of the submissions do not count toward it. Last evaluated 2026-08-20.

Conditions:
TTR-related disorder. Also called: TTR-related disorders; TTR-related condition.
Amyloidosis, hereditary systemic 1 (AMYLD1). Also called: Hereditary oculoleptomeningeal amyloid angiopathy; Familial Transthyretin Amyloidosis; Familial amyloid polyneuropathy; Transthyretin Amyloidosis; AMYLOID CARDIOMYOPATHY; Hereditary Transthyretin Amyloidosis. Identifiers: Orphanet 85447, Orphanet 85451, MedGen C2751492, MONDO:0971004, OMIM 105210.
Hyperthyroxinemia, dystransthyretinemic. Also called: EUTHRYROIDAL HYPERTHYROXINEMIA 2; HYPERTHYROXINEMIA, DYSPREALBUMINEMIC. Identifiers: MedGen C2750824, MONDO:0007785, OMIM 145680.
Carpal tunnel syndrome 1 (CTS1). Also called: Carpal tunnel syndrome, familial. Identifiers: MedGen C5779776, MONDO:0020730, OMIM 115430.
Charcot-Marie-Tooth disease. Also called: Charcot-Marie-Tooth Neuropathy; Charcot-Marie-Tooth Hereditary Neuropathy. Identifiers: Orphanet 166, MedGen C0007959, MONDO:0015626.
Cardiovascular phenotype. Identifiers: MedGen CN230736.
Cardiomyopathy (CMYO). Also called: Cardiomyopathies. Identifiers: Orphanet 167848, MedGen C0878544, MONDO:0004994, HP:0001638. Inheritance: Various modes of inheritance.

Allele frequency attached by ClinVar (database versions not stated): gnomAD exomes 0.00005 and 0.00010; ExAC 0.00015; gnomAD 0.00005 and 0.00004; TOPMed 0.00003.
gnomAD v4.1: 92 of 1,614,098 alleles (0.0057%); highest among the groups gnomAD compares: Middle Eastern, 0.016%; no homozygotes.

Submissions 1 to 7 of 44:

PreventionGenetics, part of Exact Sciences
Classification: Pathogenic for TTR-related condition. Last evaluated: 2026-08-20. Review status: criteria provided, single submitter. Criteria: ACMG Guidelines, 2015. Collection method: clinical testing. Allele origin: germline.
Comment: The TTR c.148G>A variant is predicted to result in the amino acid substitution p.Val50Met. This variant, also described as p.Val30Met using legacy nomenclature, has been reported as one of the most common causative variants for hereditary transthyretin amyloidosis with individuals typically presenting with familial amyloidotic polyneuropathy/TTR-FAP (Ando et al. 2013. PubMed ID: 23425518; Saraiva et al. 1984. PubMed ID: 6736244; Holmgren et al. 1994. PubMed ID: 8064809; Skrahina et al. 2021. PubMed ID: 34658264). Penetrance for this variant is incomplete and increases with age (Hellman et al. 2008. PubMed ID: 18925456). Functional studies found this variant disrupts protein function (Altland et al. 2007. PubMed ID: 17503405; Jesus et al. 2016. PubMed ID: 27589730). This variant is reported in 0.017% of alleles in individuals of European (non-Finnish) descent in gnomAD. This variant has also been consistently interpreted as pathogenic in the ClinVar database (Variation ID: 13417). Alternate missense substitutions at the same amino acid position (p.Val50Leu, p.Val50Ala, p.Val50Gly) have also been reported in individuals with hereditary transthyretin amyloidosis (Murakami et al. 1992. PubMed ID: 1520326; Altland et al. 2007. PubMed ID: 17503405; Zeldenrust et al. 2012. PubMed ID: 22620962). The c.148G>A (p.Val50Met) variant is interpreted as pathogenic.

Institute of Human Genetics, University of Leipzig Medical Center
Classification: Pathogenic for Amyloidosis, hereditary systemic 1. Last evaluated: 2026-03-19. Review status: criteria provided, single submitter. Criteria: ACMG Guidelines, 2015. Collection method: clinical testing. Allele origin: unknown. Inheritance: Autosomal dominant inheritance. Affected: yes.
Comment: Criteria applied: PS3,PS4,PM5_STR,PM1,PP3

Ambry Genetics
Classification: Pathogenic for Cardiovascular phenotype. Last evaluated: 2026-02-27. Review status: criteria provided, single submitter. Criteria: Ambry Variant Classification Scheme 2023. Collection method: clinical testing. Allele origin: germline.
Comment: Based on data from gnomAD, the A allele has an overall frequency of 0.01% (26/251462) total alleles studied. The highest observed frequency was 0.049% (3/6140) of Other alleles. This mutation was first reported in TTR-related amyloid protein of tissue samples from Portuguese individuals with familial amyloidotic polyneuropathy (Saraiva, 1984). This mutation has been detected in numerous individuals with hereditary transthyretin amyloidosis and is reported to be the most common TTR mutation; it is associated with the polyneuropathy type of familial TTR amyloidosis, but age of onset and severity are considered variable (Soares, 2004; Du, 2021; Andr&eacute;s, 2018). Note, this variant is also referred to as p.V30M in the literature. This amino acid position is well conserved in available vertebrate species. This alteration is predicted to be deleterious by in silico analysis. Based on the available evidence, this alteration is classified as pathogenic.

Labcorp Genetics (formerly Invitae), Labcorp
Classification: Pathogenic for Amyloidosis, hereditary systemic 1. Last evaluated: 2026-01-27. Review status: criteria provided, single submitter. Criteria: Invitae Variant Classification Sherloc (09022015). Collection method: clinical testing. Allele origin: germline.
Comment: This sequence change replaces valine with methionine at codon 50 of the TTR protein (p.Val50Met). There is a small physicochemical difference between valine and methionine. This variant is present in population databases (rs28933979, gnomAD 0.02%). This missense change has been observed in individual(s) with hereditary transthyretin-mediated amyloidosis (hATTR amyloidosis) (PMID: 22620962, 22745357, 23833285, 24455802, 24555660, 26115788). It is commonly reported in individuals of Portuguese, Swedish and Japanese ancestry (PMID: 22620962, 23833285, 24555660). This variant is also known as p.Val30Met. ClinVar contains an entry for this variant (Variation ID: 13417). Invitae Evidence Modeling of protein sequence and biophysical properties (such as structural, functional, and spatial information, amino acid conservation, physicochemical variation, residue mobility, and thermodynamic stability) indicates that this missense variant is expected to disrupt TTR protein function with a positive predictive value of 95%. Experimental studies have shown that this missense change affects TTR function (PMID: 15820680, 23080516, 24601850, 25550818). For these reasons, this variant has been classified as Pathogenic.

CeGaT Center for Human Genetics Tuebingen
Classification: Pathogenic. Last evaluated: 2026-01-01. Review status: criteria provided, single submitter. Criteria: CeGaT Center For Human Genetics Tuebingen Variant Classification Criteria Version 2. Collection method: clinical testing. Allele origin: germline. Affected: yes. Observed: 10 variant alleles.
Comment: TTR: PS4, PM1, PM5, PM2:Supporting, PS3:Supporting

3billion
Classification: Pathogenic for Amyloidosis, hereditary systemic 1. Last evaluated: 2025-11-24. Review status: criteria provided, single submitter. Criteria: ACMG Guidelines, 2015. Collection method: clinical testing. Allele origin: germline. Affected: yes.
Comment: The variant is observed in the gnomAD v4.1.0 dataset (total allele frequency: 0.006%). Predicted Consequence/Location: Missense variant. Missense changes are a common disease-causing mechanism. Functional studies provide moderate evidence of the variant having a damaging effect on the gene or gene product (PMID: 25519307, 26088020). In silico tool predictions suggest damaging effect of the variant on gene or gene product [REVEL: 0.71 (>=0.6, sensitivity 0.68 and specificity 0.92)]. The same nucleotide change resulting in the same amino acid change has been previously reported as pathogenic/likely pathogenic with strong evidence (ClinVar ID: VCV000013417 /PMID: 6736244 /3billion dataset). The variant has been reported to co-segregate with the disease in at least 3 similarly affected relatives/individuals in the same family or similarly affected unrelated families (PMID: 26115788). Different missense changes at the same codon (p.Val50Ala, p.Val50Gly, p.Val50Leu) have been reported as pathogenic/likely pathogenic with strong evidence (ClinVar ID: VCV000013430, VCV000013440, VCV000013465, VCV002138144 /PMID: 1520326, 1544214, 19922332, 9066351). Therefore, this variant is classified as Pathogenic according to the recommendation of ACMG/AMP guideline.

Mayo Clinic Laboratories, Mayo Clinic
Classification: Pathogenic. Last evaluated: 2025-09-04. Review status: criteria provided, single submitter. Criteria: ACMG Guidelines, 2015. Collection method: clinical testing. Allele origin: germline. Observed: 11 variant alleles.

NM_000371.4(TTR):c.148G>A (p.Val50Met)

Gene: TTR (transthyretin; plus strand). Cytogenetic location: 18q12.1.
Variant type: single nucleotide variant.
Coding change: c.148G>A on transcript NM_000371.4 (MANE Select); coding-DNA position 148, G replaced by A.
Protein change: p.Val50Met; replaces valine 50 with methionine.
Molecular consequence: missense variant.
Genome position (GRCh38, 1-based): chr18:31,592,974, G>A. VCF-style: chr18-31592974-G-A. GRCh37 (hg19) VCF-style: chr18-29172937-G-A.
Other names: V30M; p.V50M:GTG>ATG; short protein forms V50M.
Identifiers: ClinVar variation 13417 (VCV000013417.121), dbSNP rs28933979, ClinGen allele CA256790.